The following is an entry in ClinVar:

ClinVar aggregate classification (germline): Likely pathogenic. Review status: criteria provided, multiple submitters, no conflicts (2 of 4 stars). 2 submissions from 2 submitters: Likely pathogenic (2). Last evaluated 2023-11-16.

Conditions:
Hereditary cancer-predisposing syndrome. Also called: Hereditary neoplastic syndrome; Tumor predisposition; Neoplastic Syndromes, Hereditary; Hereditary Cancer Syndrome. Identifiers: Orphanet 140162, MedGen C0027672, MeSH D009386, MONDO:0015356.
Familial adenomatous polyposis 1 (FAP1). Also called: FAMILIAL ADENOMATOUS POLYPOSIS 1, ATTENUATED; POLYPOSIS, ADENOMATOUS INTESTINAL. Identifiers: MedGen C2713442, MONDO:0021056, OMIM 175100. Disease mechanism: loss of function.

Submissions (2):

Ambry Genetics
Classification: Likely pathogenic for Hereditary cancer-predisposing syndrome. Last evaluated: 2023-11-16. Review status: criteria provided, single submitter. Criteria: Ambry Variant Classification Scheme 2023. Collection method: clinical testing. Allele origin: germline.
Comment: The c.1959-7_1964del13 variant results from a deletion of 13 nucleotides at positions c.1959-7 to c.1964 and involves the canonical splice acceptor site before coding exon 15 of the APC gene. This alteration has been observed in at least one individual with a personal and/or family history that is consistent with APC-related disease (Ambry internal data). This variant is considered to be rare based on population cohorts in the Genome Aggregation Database (gnomAD). The canonical splice acceptor site is well conserved in available vertebrate species. In silico splice site analysis predicts that this alteration will weaken the native splice acceptor site and may result in the creation or strengthening of a novel splice acceptor site. RNA studies have demonstrated that this alteration results in abnormal splicing in the set of samples tested (Ambry internal data). Another alteration impacting the same acceptor site (c.1959-2A>G) has been described in individuals with an attenuated FAP phenotype (Aretz S et al. Hum. Mutat. 2004 Nov; 24(5):370-80; Ambry internal data). Alterations that disrupt the canonical splice site are expected to cause aberrant splicing, resulting in an abnormal protein or a transcript that is subject to nonsense-mediated mRNA decay. As such, this alteration is classified as likely pathogenic.

Labcorp Genetics (formerly Invitae), Labcorp
Classification: Likely pathogenic for Familial adenomatous polyposis 1. Last evaluated: 2022-03-05. Review status: criteria provided, single submitter. Criteria: Invitae Variant Classification Sherloc (09022015). Collection method: clinical testing. Allele origin: germline.
Comment: This variant is not present in population databases (gnomAD no frequency). This variant results in the deletion of part of exon 15 (c.1959-7_1964del) of the APC gene. While this variant is not anticipated to result in nonsense mediated decay, it likely alters RNA splicing and results in a disrupted protein product. This variant has been observed in individuals with familial adenomatous polyposis and attenuated familial adenomatous polyposis (PMID: 20685668; Invitae). Variants that disrupt the consensus splice site are a relatively common cause of aberrant splicing (PMID: 17576681, 9536098). Algorithms developed to predict the effect of sequence changes on RNA splicing suggest that this variant may disrupt the consensus splice site. In summary, the currently available evidence indicates that the variant is pathogenic, but additional data are needed to prove that conclusively. Therefore, this variant has been classified as Likely Pathogenic.

Literature cited by the submitters: PubMed 20685668 (cited by Labcorp Genetics (formerly Invitae), Labcorp); PubMed 17576681 (cited by Labcorp Genetics (formerly Invitae), Labcorp); PubMed 9536098 (cited by Labcorp Genetics (formerly Invitae), Labcorp).

NM_000038.6(APC):c.1959-7_1964del

Gene: APC (APC regulator of Wnt signaling pathway; plus strand). Cytogenetic location: 5q22.2.
Variant type: Deletion.
Coding change: c.1959-7_1964del on transcript NM_000038.6 (MANE Select); 7 bases into the intron before coding-DNA position 1959 through coding-DNA position 1964, 13 bases deleted (ATTTCAGGCAAAT).
Molecular consequence: splice acceptor variant.
Genome position (GRCh38, 1-based): chr5:112,837,546-112,837,558, ATTTCAGGCAAAT deleted; deleting any 13 consecutive bases within chr5:112,837,545-112,837,558 gives the same sequence; the c. name uses the placement nearest the transcript's 3' end. VCF-style (leftmost placement, unchanged base first): chr5-112837544-TTATTTCAGGCAAA-T. GRCh37 (hg19) VCF-style: chr5-112173241-TTATTTCAGGCAAA-T.
Other names: c.1959-7_1964del13 (NM_000038.5); c.1959-7_1964del (NM_001354895.2, NM_001127510.3); c.1989-7_1994del (NM_001354897.2); c.1686-7_1691del (NM_001354902.2); c.1905-7_1910del (NM_001127511.3); c.1884-7_1889del (NM_001354898.2); c.1581-7_1586del (NM_001354904.2); c.1110-7_1115del (NM_001354906.2); and 6 more.
Identifiers: ClinVar variation 1501989 (VCV001501989.9), dbSNP rs2149857426, ClinGen allele CA2573138915.